The following is an entry in ClinVar:

NM_005499.3(UBA2):c.472T>C (p.Cys158Arg)

Gene: UBA2 (ubiquitin like modifier activating enzyme 2; plus strand). Cytogenetic location: 19q13.11.
Variant type: single nucleotide variant.
Coding change: c.472T>C on transcript NM_005499.3 (MANE Select); coding-DNA position 472, T replaced by C.
Protein change: p.Cys158Arg; replaces cysteine 158 with arginine.
Molecular consequence: missense variant.
Genome position (GRCh38, 1-based): chr19:34,438,657, T>C. VCF-style: chr19-34438657-T-C. GRCh37 (hg19) VCF-style: chr19-34929562-T-C.
Other names: c.184T>C, p.Cys62Arg (NM_001411139.1); short protein forms C158R, C62R.
Identifiers: ClinVar variation 3254931 (VCV003254931.1), dbSNP rs2513936030.
Genomic context (GRCh38, chr19:34,438,657, plus strand): 5'-AGAAACTGCCATCATGGAGTAAATTTTTCTCATATCCTGACTTCATAGGGTGTGACCGAG[T>C]GTTATGAGTGTCATCCTAAGCCGACCCAGAGAACCTTTCCTGGCTGTACAATTCGTAACA-3'
Protein context (NP_005490.1, residues 148-168): VTTIKKGVTE[Cys158Arg]YECHPKPTQR

ClinVar aggregate classification (germline): Uncertain significance (1 of 4 stars; one submission).

Conditions:
ACCES syndrome (ACCES). Also called: APLASIA CUTIS CONGENITA WITH ECTRODACTYLY SKELETAL SYNDROME. Identifiers: MedGen C5677019, MONDO:0859262, OMIM 619959.

Submission:

Victorian Clinical Genetics Services, Murdoch Childrens Research Institute
Classification: Uncertain significance for ACCES syndrome. Last evaluated: 2023-07-17. Review status: criteria provided, single submitter. Criteria: ACMG Guidelines, 2015. Collection method: clinical testing. Allele origin: germline. Inheritance: Autosomal dominant inheritance. Affected: yes.
Comment: Based on the classification scheme VCGS_Germline_v1.3.4, this variant is classified as VUS-3A. Following criteria are met: 0102 - Loss of function is a known mechanism of disease in this gene and is associated with ACCES syndrome (MIM#619959). (I) 0107 - This gene is associated with autosomal dominant disease. (I) 0115 - Variants in this gene are known to have variable expressivity. Intrafamilial variability has been described (PMID: 34040189). (I) 0200 - Variant is predicted to result in a missense amino acid change from cysteine to arginine. (I) 0251 - This variant is heterozygous. (I) 0301 - Variant is absent from gnomAD (both v2 and v3). (SP) 0501 - Missense variant consistently predicted to be damaging by multiple in silico tools or highly conserved with a major amino acid change. (SP) 0600 - Variant is located in the annotated binding site within the ThiF family domain (DECIPHER). (I) 0705 - No comparable missense variants have previous evidence for pathogenicity. (I) 0807 - This variant has no previous evidence of pathogenicity. (I) 0905 - No published segregation evidence has been identified for this variant. (I) 1007 - No published functional evidence has been identified for this variant. (I) Legend: (SP) - Supporting pathogenic, (I) - Information, (SB) - Supporting benign

Literature cited by the submitters: PubMed 34040189.